The following is an entry in ClinVar:

ClinVar aggregate classification (germline): Benign/Likely benign. Review status: criteria provided, multiple submitters, no conflicts (2 of 4 stars). 7 submissions from 7 submitters: Benign (1); Likely benign (5). 1 of the submissions does not count toward it. Last evaluated 2026-01-28.

Conditions:
GAS8-related disorder. Also called: GAS8-related condition.
Primary ciliary dyskinesia 33. Also called: CILIARY DYSKINESIA, PRIMARY, 33, WITHOUT SITUS INVERSUS. Identifiers: Orphanet 244, MedGen C4225230, MONDO:0014750, OMIM 616726.

Allele frequency attached by ClinVar (database versions not stated): 1000 Genomes Project 30x 0.00031; TOPMed 0.00220; ESP Exome Variant Server 0.00277.
gnomAD v4.1: 4,175 of 1,600,554 alleles (0.26%); highest among the groups gnomAD compares: Non-Finnish European, 0.28%; 10 homozygotes.

Submissions (7):

Labcorp Genetics (formerly Invitae), Labcorp
Classification: Benign for Primary ciliary dyskinesia 33. Last evaluated: 2026-01-28. Review status: criteria provided, single submitter. Criteria: Invitae Variant Classification Sherloc (09022015). Collection method: clinical testing. Allele origin: germline.

ARUP Laboratories, Molecular Genetics and Genomics, ARUP Laboratories
Classification: Likely benign. Last evaluated: 2025-07-29. Review status: criteria provided, single submitter. Criteria: ARUP Molecular Germline Variant Investigation Process 2024. Collection method: clinical testing. Allele origin: germline.

Blueprint Genetics
Classification: Likely benign. Last evaluated: 2024-11-21. Review status: criteria provided, single submitter. Criteria: ACMG Guidelines, 2015. Collection method: clinical testing. Allele origin: germline.

GeneDx
Classification: Likely benign. Last evaluated: 2020-10-08. Review status: criteria provided, single submitter. Criteria: GeneDx Variant Classification Process June 2021. Collection method: clinical testing. Allele origin: germline. Affected: yes.

Genetics and Molecular Pathology, SA Pathology
Classification: Likely benign for Primary ciliary dyskinesia 33. Last evaluated: 2019-08-27. Review status: criteria provided, single submitter. Criteria: ACMG Guidelines, 2015. Collection method: clinical testing. Allele origin: germline. Inheritance: Autosomal recessive inheritance. Affected: yes.

Breakthrough Genomics
Classification: Likely benign. Review status: criteria provided, single submitter. Criteria: ACMG Guidelines, 2015. Collection method: not provided. Allele origin: germline. Inheritance: Autosomal recessive inheritance. Affected: yes.

PreventionGenetics, part of Exact Sciences
Classification: Benign for GAS8-related condition. Last evaluated: 2019-10-16. Review status: no assertion criteria provided. Collection method: clinical testing. Allele origin: germline. Not counted in ClinVar's aggregate classification.
Comment: This variant is classified as benign based on ACMG/AMP sequence variant interpretation guidelines (Richards et al. 2015 PMID: 25741868, with internal and published modifications).

NM_001481.3(DRC4):c.245G>A (p.Arg82Gln)

Gene: DRC4 (dynein regulatory complex subunit 4; plus strand). Cytogenetic location: 16q24.3.
Variant type: single nucleotide variant.
Coding change: c.245G>A on transcript NM_001481.3 (MANE Select); coding-DNA position 245, G replaced by A.
Protein change: p.Arg82Gln; replaces arginine 82 with glutamine.
Molecular consequence: missense variant. On other transcripts: 5 prime UTR variant (2).
Genome position (GRCh38, 1-based): chr16:90,031,453, G>A. VCF-style: chr16-90031453-G-A. GRCh37 (hg19) VCF-style: chr16-90097861-G-A.
Other names: c.-5G>A (NM_001286205.2); c.-277G>A (NM_001286208.2); c.170G>A, p.Arg57Gln (NM_001286209.2); short protein forms R57Q, R82Q.
Identifiers: ClinVar variation 475562 (VCV000475562.21), dbSNP rs884928, ClinGen allele CA8257722.
Genomic context (GRCh38, chr16:90,031,453, plus strand): 5'-TCTGGGAGATCACACGGAGGCAGCTGGAGGAGAAGAAGGCTGAGCTGCGGAACAAAGACC[G>A]GGAGATGGAAGAAGCCGAGGAGAGGCACCAGGTGGAGATCAAGGTGAGTGGGGCCGGCCT-3'
Protein context (NP_001472.1, residues 72-92): EKKAELRNKD[Arg82Gln]EMEEAEERHQ